The following is an entry in ClinVar:

ClinVar aggregate classification (germline): Conflicting classifications of pathogenicity. Review status: criteria provided, conflicting classifications (1 of 4 stars). 3 submissions from 3 submitters: Uncertain significance (1); Likely benign (2). Last evaluated 2026-05-18.

Allele frequency attached by ClinVar (database versions not stated): ExAC 0.00056; gnomAD exomes 0.00002; 1000 Genomes Project 30x 0.00125.

Submissions (3):

Women's Health and Genetics/Laboratory Corporation of America, LabCorp
Classification: Uncertain significance. Last evaluated: 2026-05-18. Review status: criteria provided, single submitter. Criteria: LabCorp Variant Classification Summary - May 2015. Collection method: clinical testing. Allele origin: germline.
Comment: Variant summary: ACAN c.4341G>C (p.Glu1447Asp) results in a conservative amino acid change in the encoded protein sequence. Algorithms developed to predict the effect of missense changes on protein structure and function all suggest that this variant is likely to be tolerated. The variant allele was found at a frequency of 2.4e-05 in 248098 control chromosomes. The available data on variant occurrences in the general population are insufficient to allow any conclusion about variant significance. To our knowledge, no occurrence of c.4341G>C in individuals affected with ACAN-related conditions and no experimental evidence demonstrating its impact on protein function have been reported. ClinVar contains an entry for this variant (Variation ID: 402334). Based on the evidence outlined above, the variant was classified as uncertain significance.

Laboratory for Molecular Medicine, Mass General Brigham Personalized Medicine
Classification: Likely benign. Last evaluated: 2016-03-29. Review status: criteria provided, single submitter. Criteria: LMM Criteria. Collection method: clinical testing. Allele origin: germline.
Comment: Variant identified in a genome or exome case(s) and assessed due to predicted null impact of the variant or pathogenic assertions in the literature or databases. Disclaimer: This variant has not undergone full assessment. The following are preliminary notes: 0.6% of African chromosomes in ExAC, frequency high for disorder

Breakthrough Genomics
Classification: Likely benign. Review status: criteria provided, single submitter. Criteria: ACMG Guidelines, 2015. Collection method: not provided. Allele origin: germline. Inheritance: Autosomal recessive inheritance. Affected: yes.

NM_001369268.1(ACAN):c.4341G>C (p.Glu1447Asp)

Gene: ACAN (aggrecan; plus strand). Cytogenetic location: 15q26.1.
Variant type: single nucleotide variant.
Coding change: c.4341G>C on transcript NM_001369268.1 (MANE Select); coding-DNA position 4341, G replaced by C.
Protein change: p.Glu1447Asp; replaces glutamic acid 1447 with aspartic acid.
Molecular consequence: missense variant.
Genome position (GRCh38, 1-based): chr15:88,856,926, G>C. VCF-style: chr15-88856926-G-C. GRCh37 (hg19) VCF-style: chr15-89400157-G-C.
Other names: c.4341G>C, p.Glu1447Asp (NM_001135.4, NM_013227.4); short protein forms E1447D.
Identifiers: ClinVar variation 402334 (VCV000402334.6), dbSNP rs201505307, ClinGen allele CA7720022.